The following is an entry in ClinVar:

ClinVar aggregate classification (germline): Uncertain significance. Review status: criteria provided, multiple submitters, no conflicts (2 of 4 stars). 2 submissions from 2 submitters: Uncertain significance (2). Last evaluated 2024-04-01.

Conditions:
Ataxia-telangiectasia syndrome (AT). Also called: Ataxia-telangiectasia, complementation group E; Ataxia telangiectasia (A-T); LOUIS-BAR SYNDROME; Cerebello-oculocutaneous telangiectasia; Immunodeficiency with ataxia telangiectasia; Ataxia-telangiectasia, complementation group D. Identifiers: Orphanet 100, MedGen C0004135, MONDO:0008840, OMIM 208900.
Hereditary cancer-predisposing syndrome. Also called: Tumor predisposition; Hereditary Cancer Syndrome; Hereditary neoplastic syndrome; Neoplastic Syndromes, Hereditary. Identifiers: Orphanet 140162, MedGen C0027672, MeSH D009386, MONDO:0015356.

Allele frequency attached by ClinVar (database versions not stated): gnomAD exomes below 0.00001; ExAC 0.00001.
gnomAD v4.1: 2 of 1,613,778 alleles (0.00012%); highest among the groups gnomAD compares: East Asian, 0.0045%; no homozygotes.

Submissions (2):

Ambry Genetics
Classification: Uncertain significance for Hereditary cancer-predisposing syndrome. Last evaluated: 2024-04-01. Review status: criteria provided, single submitter. Criteria: Ambry Variant Classification Scheme 2023. Collection method: clinical testing. Allele origin: germline.
Comment: The p.Q2684H variant (also known as c.8052G>C), located in coding exon 54 of the ATM gene, results from a G to C substitution at nucleotide position 8052. The glutamine at codon 2684 is replaced by histidine, an amino acid with highly similar properties. This amino acid position is conserved. In addition, this alteration is predicted to be tolerated by in silico analysis. Based on the available evidence, the clinical significance of this alteration remains unclear.

Labcorp Genetics (formerly Invitae), Labcorp
Classification: Uncertain significance for Ataxia-telangiectasia syndrome. Last evaluated: 2023-07-17. Review status: criteria provided, single submitter. Criteria: Invitae Variant Classification Sherloc (09022015). Collection method: clinical testing. Allele origin: germline.
Comment: In summary, the available evidence is currently insufficient to determine the role of this variant in disease. Therefore, it has been classified as a Variant of Uncertain Significance. Algorithms developed to predict the effect of missense changes on protein structure and function output the following: SIFT: "Not Available"; PolyPhen-2: "Benign"; Align-GVGD: "Not Available". The histidine amino acid residue is found in multiple mammalian species, which suggests that this missense change does not adversely affect protein function. ClinVar contains an entry for this variant (Variation ID: 2419994). This variant has not been reported in the literature in individuals affected with ATM-related conditions. This variant is present in population databases (rs752121828, gnomAD 0.01%). This sequence change replaces glutamine, which is neutral and polar, with histidine, which is basic and polar, at codon 2684 of the ATM protein (p.Gln2684His).

NM_000051.4(ATM):c.8052G>C (p.Gln2684His)

Genes: ATM (ATM serine/threonine kinase; plus strand), C11orf65 (chromosome 11 open reading frame 65; minus strand). Cytogenetic location: 11q22.3.
Variant type: single nucleotide variant.
Coding change: c.8052G>C on transcript NM_000051.4 (MANE Select); coding-DNA position 8052, G replaced by C.
Protein change: p.Gln2684His; replaces glutamine 2684 with histidine.
Molecular consequence: missense variant. On other transcripts: intron variant (2).
Genome position (GRCh38, 1-based): chr11:108,335,010, G>C. VCF-style: chr11-108335010-G-C. GRCh37 (hg19) VCF-style: chr11-108205737-G-C.
Other names: c.8052G>C, p.Gln2684His (NM_001351834.2); c.641-25939C>G (NM_001330368.2); c.*38+210C>G (NM_001351110.2); short protein forms Q2684H.
Identifiers: ClinVar variation 2419994 (VCV002419994.43), dbSNP rs752121828, ClinGen allele CA6266268.